The following is an entry in ClinVar:

NM_181552.4(CUX1):c.1283C>T (p.Ala428Val)

Gene: CUX1 (cut like homeobox 1; plus strand). Cytogenetic location: 7q22.1.
Variant type: single nucleotide variant.
Coding change: c.1283C>T on transcript NM_181552.4 (MANE Select); coding-DNA position 1283, C replaced by T.
Protein change: p.Ala428Val; replaces alanine 428 with valine.
Molecular consequence: missense variant. On other transcripts: intron variant (5).
Genome position (GRCh38, 1-based): chr7:102,196,694, C>T. VCF-style: chr7-102196694-C-T. GRCh37 (hg19) VCF-style: chr7-101839974-C-T.
Other names: c.1255+1091C>T (NM_001913.5); c.1249+1091C>T (NM_181500.4); c.1117+1091C>T (NM_001202545.3); c.1207+1091C>T (NM_001202544.3); c.1138+1091C>T (NM_001202546.3); c.1316C>T, p.Ala439Val (NM_001202543.2); short protein forms A428V, A439V.
Identifiers: ClinVar variation 3234773 (VCV003234773.20), dbSNP rs1554518422, ClinGen allele CA368672945.

ClinVar aggregate classification (germline): Uncertain significance (1 of 4 stars; one submission).

Allele frequency attached by ClinVar (database versions not stated): gnomAD 0.00001.
gnomAD v4.1: 1 of 1,603,764 alleles (0.000062%); highest among the groups gnomAD compares: Non-Finnish European, 0.000085%; no homozygotes.

Submission:

CeGaT Center for Human Genetics Tuebingen
Classification: Uncertain significance. Last evaluated: 2024-04-01. Review status: criteria provided, single submitter. Criteria: CeGaT Center For Human Genetics Tuebingen Variant Classification Criteria Version 2. Collection method: clinical testing. Allele origin: germline. Affected: yes. Observed: 1 variant allele.
Comment: CUX1: PM2, BP4